The following is an entry in ClinVar:

NM_182961.4(SYNE1):c.15907C>T (p.Arg5303Trp)

Gene: SYNE1 (spectrin repeat containing nuclear envelope protein 1; minus strand). Cytogenetic location: 6q25.2.
Variant type: single nucleotide variant.
Coding change: c.15907C>T on transcript NM_182961.4 (MANE Select); coding-DNA position 15907, C replaced by T.
Protein change: p.Arg5303Trp; replaces arginine 5303 with tryptophan.
Molecular consequence: missense variant.
Genome position (GRCh38, 1-based): chr6:152,323,488, G>A on the plus strand (C>T on the coding strand, the complement: SYNE1 is on the minus strand). VCF-style: chr6-152323488-G-A. GRCh37 (hg19) VCF-style: chr6-152644623-G-A.
Other names: c.15694C>T, p.Arg5232Trp (NM_033071.5); short protein forms R5232W, R5303W.
Identifiers: ClinVar variation 448557 (VCV000448557.41), dbSNP rs149215868, ClinGen allele CA4055665.

ClinVar aggregate classification (germline): Conflicting classifications of pathogenicity. Review status: criteria provided, conflicting classifications (1 of 4 stars). 6 submissions from 5 submitters: Uncertain significance (5); Likely benign (1). Last evaluated 2025-06-01.

Conditions:
Emery-Dreifuss muscular dystrophy 4, autosomal dominant (EDMD4). Also called: EMERY-DREIFUSS MUSCULAR DYSTROPHY 4 WITH VARIABLE FEATURES. Identifiers: Orphanet 261, MedGen C2751807, MONDO:0013071, OMIM 612998.
Autosomal recessive ataxia, Beauce type. Also called: SYNE1 Deficiency; Spinocerebellar ataxia, autosomal recessive 8; ATAXIA, RECESSIVE, OF BEAUCE; SYNE1-Related Autosomal Recessive Cerebellar Ataxia. Identifiers: Orphanet 88644, MedGen C1853116, MONDO:0012549, OMIM 610743.

Allele frequency attached by ClinVar (database versions not stated): TOPMed 0.00002; ESP Exome Variant Server 0.00031; gnomAD 0.00067.
gnomAD v4.1: 75 of 1,613,662 alleles (0.0046%); highest among the groups gnomAD compares: Non-Finnish European, 0.0054%; no homozygotes.

Submissions (6):

CeGaT Center for Human Genetics Tuebingen
Classification: Uncertain significance. Last evaluated: 2025-06-01. Review status: criteria provided, single submitter. Criteria: CeGaT Center For Human Genetics Tuebingen Variant Classification Criteria Version 2. Collection method: clinical testing. Allele origin: germline. Affected: yes. Observed: 2 variant alleles.
Comment: SYNE1: PM2, PM3:Supporting, BP1, BP4

Labcorp Genetics (formerly Invitae), Labcorp
Classification: Uncertain significance for Emery-Dreifuss muscular dystrophy 4, autosomal dominant; Autosomal recessive ataxia, Beauce type. Last evaluated: 2024-11-11. Review status: criteria provided, single submitter. Criteria: Invitae Variant Classification Sherloc (09022015). Collection method: clinical testing. Allele origin: germline.
Comment: This sequence change replaces arginine, which is basic and polar, with tryptophan, which is neutral and slightly polar, at codon 5232 of the SYNE1 protein (p.Arg5232Trp). This variant is present in population databases (rs149215868, gnomAD 0.03%). This variant has not been reported in the literature in individuals affected with SYNE1-related conditions. ClinVar contains an entry for this variant (Variation ID: 448557). An algorithm developed to predict the effect of missense changes on protein structure and function (PolyPhen-2) suggests that this variant is likely to be disruptive. In summary, the available evidence is currently insufficient to determine the role of this variant in disease. Therefore, it has been classified as a Variant of Uncertain Significance.

Revvity Omics, Revvity
Classification: Uncertain significance. Last evaluated: 2021-09-20. Review status: criteria provided, single submitter. Criteria: ACMG Guidelines, 2015. Collection method: clinical testing. Allele origin: germline.

Athena Diagnostics
Classification: Uncertain significance. Last evaluated: 2019-04-26. Review status: criteria provided, single submitter. Criteria: Athena Diagnostics Criteria. Collection method: clinical testing. Allele origin: germline.

Illumina Laboratory Services, Illumina
Classification: Uncertain significance for Autosomal recessive ataxia, Beauce type. Last evaluated: 2018-01-13. Review status: criteria provided, single submitter. Criteria: ICSL Variant Classification Criteria 13 December 2019. Collection method: clinical testing. Allele origin: germline.

Illumina Laboratory Services, Illumina
Classification: Likely benign for Emery-Dreifuss muscular dystrophy 4, autosomal dominant. Last evaluated: 2018-01-13. Review status: criteria provided, single submitter. Criteria: ICSL Variant Classification Criteria 13 December 2019. Collection method: clinical testing. Allele origin: germline.
Comment: This variant was observed in the ICSL laboratory as part of a predisposition screen in an ostensibly healthy population. It had not been previously curated by ICSL or reported in the Human Gene Mutation Database (HGMD: prior to June 1st, 2018), and was therefore a candidate for classification through an automated scoring system. Utilizing variant allele frequency, disease prevalence and penetrance estimates, and inheritance mode, an automated score was calculated to assess if this variant is too frequent to cause the disease. Based on the score and internal cut-off values, a variant classified as likely benign is not then subjected to further curation. The score for this variant resulted in a classification of likely benign for this disease.